The following is an entry in ClinVar:

NM_001122769.3(LCA5):c.1600G>A (p.Gly534Arg)

Gene: LCA5 (lebercilin LCA5; minus strand). Cytogenetic location: 6q14.1.
Variant type: single nucleotide variant.
Coding change: c.1600G>A on transcript NM_001122769.3 (MANE Select); coding-DNA position 1600, G replaced by A.
Protein change: p.Gly534Arg; replaces glycine 534 with arginine.
Molecular consequence: missense variant.
Genome position (GRCh38, 1-based): chr6:79,487,498, C>T on the plus strand (G>A on the coding strand, the complement: LCA5 is on the minus strand). VCF-style: chr6-79487498-C-T. GRCh37 (hg19) VCF-style: chr6-80197215-C-T.
Other names: c.1600G>A, p.Gly534Arg (NM_181714.4); short protein forms G534R.
Identifiers: ClinVar variation 842432 (VCV000842432.8), dbSNP rs376484071, ClinGen allele CA3900799.
Genomic context (GRCh38, chr6:79,487,498, plus strand): 5'-CAAATGCGAACTCATTAGGGGAGGCTGGACTTCTAACATTTCCTGAATTCTGACCTTCTC[C>T]TTTTGGAGTTGAGAAACTGATGTCTTGCAAATGATGCCCATTAAATAATCTCTCTGAGGA-3'
Protein context (NP_001116241.1, residues 524-544): LQDISFSTPK[Gly534Arg]EGQNSGNVRS

ClinVar aggregate classification (germline): Uncertain significance. Review status: criteria provided, multiple submitters, no conflicts (2 of 4 stars). 3 submissions from 3 submitters: Uncertain significance (2). 1 of the submissions does not count toward it. Last evaluated 2024-10-18.

Conditions:
Leber congenital amaurosis 5 (LCA5). Also called: Amaurosis congenita of Leber, type 5. Identifiers: Orphanet 65, MedGen C1858301, MONDO:0011473, OMIM 604537.

Allele frequency attached by ClinVar (database versions not stated): gnomAD 0.00001; gnomAD exomes 0.00001 and 0.00004; TOPMed 0.00001; ExAC 0.00002; ESP Exome Variant Server 0.00008.
gnomAD v4.1: 57 of 1,613,856 alleles (0.0035%); highest among the groups gnomAD compares: Non-Finnish European, 0.0045%; no homozygotes.

Submissions (3):

Blueprint Genetics
Classification: Uncertain significance. Last evaluated: 2024-10-18. Review status: criteria provided, single submitter. Criteria: ACMG Guidelines, 2015. Collection method: clinical testing. Allele origin: germline.

Labcorp Genetics (formerly Invitae), Labcorp
Classification: Uncertain significance. Last evaluated: 2022-03-10. Review status: criteria provided, single submitter. Criteria: Invitae Variant Classification Sherloc (09022015). Collection method: clinical testing. Allele origin: germline.
Comment: This sequence change replaces glycine, which is neutral and non-polar, with arginine, which is basic and polar, at codon 534 of the LCA5 protein (p.Gly534Arg). This variant is present in population databases (rs376484071, gnomAD 0.004%). This variant has not been reported in the literature in individuals affected with LCA5-related conditions. ClinVar contains an entry for this variant (Variation ID: 842432). Algorithms developed to predict the effect of missense changes on protein structure and function output the following: SIFT: "Tolerated"; PolyPhen-2: "Benign"; Align-GVGD: "Class C0". The arginine amino acid residue is found in multiple mammalian species, which suggests that this missense change does not adversely affect protein function. In summary, the available evidence is currently insufficient to determine the role of this variant in disease. Therefore, it has been classified as a Variant of Uncertain Significance.

Natera, Inc.
Classification: Uncertain significance for Leber congenital amaurosis type 5. Last evaluated: 2020-10-06. Review status: no assertion criteria provided. Collection method: clinical testing. Allele origin: germline. Not counted in ClinVar's aggregate classification.